The following is an entry in ClinVar:

NM_199242.3(UNC13D):c.2496G>A (p.Ala832=)

Gene: UNC13D (unc-13 homolog D; minus strand). Cytogenetic location: 17q25.1.
Variant type: single nucleotide variant.
Coding change: c.2496G>A on transcript NM_199242.3 (MANE Select); coding-DNA position 2496, G replaced by A.
Protein change: p.Ala832=; no amino-acid change (alanine 832 retained).
Molecular consequence: synonymous variant.
Genome position (GRCh38, 1-based): chr17:75,831,300, C>T on the plus strand (G>A on the coding strand, the complement: UNC13D is on the minus strand). VCF-style: chr17-75831300-C-T. GRCh37 (hg19) VCF-style: chr17-73827381-C-T.
Identifiers: ClinVar variation 889903 (VCV000889903.19), dbSNP rs763343306, ClinGen allele CA8772495.

ClinVar aggregate classification (germline): Conflicting classifications of pathogenicity. Review status: criteria provided, conflicting classifications (1 of 4 stars). 4 submissions from 4 submitters: Uncertain significance (1); Likely benign (3). Last evaluated 2026-01-05.

Conditions:
Familial hemophagocytic lymphohistiocytosis 3 (FHL3). Also called: UNC13D-Related Familial Hemophagocytic Lymphohistiocytosis (UNC13D-fHLH). Identifiers: Orphanet 540, MedGen C1837174, MONDO:0012146, OMIM 608898.

Allele frequency attached by ClinVar (database versions not stated): gnomAD 0.00004 and 0.00005; TOPMed 0.00004; ExAC 0.00006; gnomAD exomes 0.00006.
gnomAD v4.1: 96 of 1,613,578 alleles (0.0059%); highest among the groups gnomAD compares: Non-Finnish European, 0.0064%; no homozygotes.

Submissions (4):

Labcorp Genetics (formerly Invitae), Labcorp
Classification: Likely benign for Familial hemophagocytic lymphohistiocytosis 3. Last evaluated: 2026-01-05. Review status: criteria provided, single submitter. Criteria: Invitae Variant Classification Sherloc (09022015). Collection method: clinical testing. Allele origin: germline.

CeGaT Center for Human Genetics Tuebingen
Classification: Likely benign. Last evaluated: 2025-09-01. Review status: criteria provided, single submitter. Criteria: CeGaT Center For Human Genetics Tuebingen Variant Classification Criteria Version 2. Collection method: clinical testing. Allele origin: germline. Affected: yes. Observed: 1 variant allele.
Comment: UNC13D: BP4, BP7

Blueprint Genetics
Classification: Likely benign. Last evaluated: 2024-11-11. Review status: criteria provided, single submitter. Criteria: ACMG Guidelines, 2015. Collection method: clinical testing. Allele origin: germline.

Illumina Laboratory Services, Illumina
Classification: Uncertain significance for Familial hemophagocytic lymphohistiocytosis 3. Last evaluated: 2018-01-13. Review status: criteria provided, single submitter. Criteria: ICSL Variant Classification Criteria 13 December 2019. Collection method: clinical testing. Allele origin: germline.